The following is an entry in ClinVar:

ClinVar aggregate classification (germline): Uncertain significance. Review status: criteria provided, multiple submitters, no conflicts (2 of 4 stars). 2 submissions from 2 submitters: Uncertain significance (2). Last evaluated 2025-12-13.

Allele frequency attached by ClinVar (database versions not stated): gnomAD 0.00004; TOPMed below 0.00001; ExAC 0.00003; gnomAD exomes 0.00010.
gnomAD v4.1: 148 of 1,607,338 alleles (0.0092%); highest among the groups gnomAD compares: East Asian, 0.33%; no homozygotes.

Submissions (2):

Labcorp Genetics (formerly Invitae), Labcorp
Classification: Uncertain significance. Last evaluated: 2025-12-13. Review status: criteria provided, single submitter. Criteria: Invitae Variant Classification Sherloc (09022015). Collection method: clinical testing. Allele origin: germline.
Comment: This sequence change replaces threonine, which is neutral and polar, with proline, which is neutral and non-polar, at codon 429 of the MAP3K8 protein (p.Thr429Pro). This variant is present in population databases (rs374109727, gnomAD 0.03%). This variant has not been reported in the literature in individuals affected with MAP3K8-related conditions. ClinVar contains an entry for this variant (Variation ID: 2720178). An algorithm developed to predict the effect of missense changes on protein structure and function (PolyPhen-2) suggests that this variant is likely to be tolerated. In summary, the available evidence is currently insufficient to determine the role of this variant in disease. Therefore, it has been classified as a Variant of Uncertain Significance.

Ambry Genetics
Classification: Uncertain significance. Last evaluated: 2025-09-05. Review status: criteria provided, single submitter. Criteria: Ambry Variant Classification Scheme 2023. Collection method: clinical testing. Allele origin: germline.

NM_005204.4(MAP3K8):c.1285A>C (p.Thr429Pro)

Gene: MAP3K8 (mitogen-activated protein kinase kinase kinase 8; plus strand). Cytogenetic location: 10p11.23.
Variant type: single nucleotide variant.
Coding change: c.1285A>C on transcript NM_005204.4 (MANE Select); coding-DNA position 1285, A replaced by C.
Protein change: p.Thr429Pro; replaces threonine 429 with proline.
Molecular consequence: missense variant.
Genome position (GRCh38, 1-based): chr10:30,460,717, A>C. VCF-style: chr10-30460717-A-C. GRCh37 (hg19) VCF-style: chr10-30749646-A-C.
Other names: c.1285A>C, p.Thr429Pro (NM_001244134.1, NM_001320961.2); c.1285A>C (NM_005204.3); short protein forms T429P.
Identifiers: ClinVar variation 2720178 (VCV002720178.4), dbSNP rs374109727, ClinGen allele CA5459916.